The following is an entry in ClinVar:

NM_015122.3(FCHO1):c.590C>T (p.Ala197Val)

Gene: FCHO1 (FCH and mu domain containing endocytic adaptor 1; plus strand). Cytogenetic location: 19p13.11.
Variant type: single nucleotide variant.
Coding change: c.590C>T on transcript NM_015122.3 (MANE Select); coding-DNA position 590, C replaced by T.
Protein change: p.Ala197Val; replaces alanine 197 with valine.
Molecular consequence: missense variant. On other transcripts: non-coding transcript variant (36).
Genome position (GRCh38, 1-based): chr19:17,770,892, C>T. VCF-style: chr19-17770892-C-T. GRCh37 (hg19) VCF-style: chr19-17881701-C-T.
Other names: c.590C>T, p.Ala197Val (NM_001161357.2, NM_001161358.2, NM_001384370.1 and 26 more transcripts); c.440C>T, p.Ala147Val (NM_001161359.2, NM_001384384.1, NM_001384385.1 and 3 more transcripts); c.551C>T, p.Ala184Val (NM_001384388.1, NM_001384389.1, NM_001384405.1); c.515C>T, p.Ala172Val (NM_001384390.1); short protein forms A172V, A147V, A197V, A184V.
Identifiers: ClinVar variation 4690584 (VCV004690584.1).

ClinVar aggregate classification (germline): Uncertain significance (1 of 4 stars; one submission).

gnomAD v4.1: 11 of 1,613,554 alleles (0.00068%); highest among the groups gnomAD compares: Non-Finnish European, 0.00076%; no homozygotes.

Submission:

Labcorp Genetics (formerly Invitae), Labcorp
Classification: Uncertain significance. Last evaluated: 2025-09-24. Review status: criteria provided, single submitter. Criteria: Invitae Variant Classification Sherloc (09022015). Collection method: clinical testing. Allele origin: germline.
Comment: This sequence change replaces alanine, which is neutral and non-polar, with valine, which is neutral and non-polar, at codon 197 of the FCHO1 protein (p.Ala197Val). The frequency data for this variant in the population databases is considered unreliable, as metrics indicate poor data quality at this position in the gnomAD database. This variant has not been reported in the literature in individuals affected with FCHO1-related conditions. An algorithm developed to predict the effect of missense changes on protein structure and function (PolyPhen-2) suggests that this variant is likely to be tolerated. In summary, the available evidence is currently insufficient to determine the role of this variant in disease. Therefore, it has been classified as a Variant of Uncertain Significance.